The following is an entry in ClinVar:

NM_032444.4(SLX4):c.4511G>A (p.Ser1504Asn)

Gene: SLX4 (SLX4 structure-specific endonuclease subunit; minus strand). Cytogenetic location: 16p13.3.
Variant type: single nucleotide variant.
Coding change: c.4511G>A on transcript NM_032444.4 (MANE Select); coding-DNA position 4511, G replaced by A.
Protein change: p.Ser1504Asn; replaces serine 1504 with asparagine.
Molecular consequence: missense variant.
Genome position (GRCh38, 1-based): chr16:3,589,127, C>T on the plus strand (G>A on the coding strand, the complement: SLX4 is on the minus strand). VCF-style: chr16-3589127-C-T. GRCh37 (hg19) VCF-style: chr16-3639128-C-T.
Other names: short protein forms S1504N.
Identifiers: ClinVar variation 3678239 (VCV003678239.3).

ClinVar aggregate classification (germline): Uncertain significance. Review status: criteria provided, multiple submitters, no conflicts (2 of 4 stars). 2 submissions from 2 submitters: Uncertain significance (2). Last evaluated 2025-03-31.

Conditions:
Fanconi anemia (FA). Also called: Fanconi's anemia. Identifiers: Orphanet 84, MedGen C0015625, MeSH D005199, MONDO:0019391.
Inborn genetic diseases. Identifiers: MedGen C0950123, MeSH D030342.

gnomAD v4.1: 2 of 1,614,020 alleles (0.00012%); highest among the groups gnomAD compares: African/African-American, 0.0027%; no homozygotes.

Submissions (2):

Labcorp Genetics (formerly Invitae), Labcorp
Classification: Uncertain significance for Fanconi anemia. Last evaluated: 2025-03-31. Review status: criteria provided, single submitter. Criteria: Invitae Variant Classification Sherloc (09022015). Collection method: clinical testing. Allele origin: germline.
Comment: This sequence change replaces serine, which is neutral and polar, with asparagine, which is neutral and polar, at codon 1504 of the SLX4 protein (p.Ser1504Asn). This variant is present in population databases (no rsID available, gnomAD 0.01%). This variant has not been reported in the literature in individuals affected with SLX4-related conditions. An algorithm developed to predict the effect of missense changes on protein structure and function (PolyPhen-2) suggests that this variant is likely to be disruptive. In summary, the available evidence is currently insufficient to determine the role of this variant in disease. Therefore, it has been classified as a Variant of Uncertain Significance.

Ambry Genetics
Classification: Uncertain significance for Inborn genetic diseases. Last evaluated: 2025-02-15. Review status: criteria provided, single submitter. Criteria: Ambry Variant Classification Scheme 2023. Collection method: clinical testing. Allele origin: germline.